The following is an entry in ClinVar:

ClinVar aggregate classification (germline): Uncertain significance (1 of 4 stars; one submission).

Conditions:
Pulmonary hypertension, primary, 4. Identifiers: Orphanet 422, MedGen C3809198, MONDO:0014136, OMIM 615344.

gnomAD v4.1: 71 of 1,562,518 alleles (0.0045%); highest among the groups gnomAD compares: Non-Finnish European, 0.0055%; no homozygotes.

Submission:

Labcorp Genetics (formerly Invitae), Labcorp
Classification: Uncertain significance for Pulmonary hypertension, primary, 4. Last evaluated: 2025-06-15. Review status: criteria provided, single submitter. Criteria: Invitae Variant Classification Sherloc (09022015). Collection method: clinical testing. Allele origin: germline.
Comment: This sequence change replaces glycine, which is neutral and non-polar, with glutamic acid, which is acidic and polar, at codon 275 of the KCNK3 protein (p.Gly275Glu). This variant is present in population databases (no rsID available, gnomAD 0.007%). This variant has not been reported in the literature in individuals affected with KCNK3-related conditions. ClinVar contains an entry for this variant (Variation ID: 1442653). Invitae Evidence Modeling of protein sequence and biophysical properties (such as structural, functional, and spatial information, amino acid conservation, physicochemical variation, residue mobility, and thermodynamic stability) indicates that this missense variant is not expected to disrupt KCNK3 protein function with a negative predictive value of 80%. In summary, the available evidence is currently insufficient to determine the role of this variant in disease. Therefore, it has been classified as a Variant of Uncertain Significance.

NM_002246.3(KCNK3):c.824G>A (p.Gly275Glu)

Gene: KCNK3 (potassium two pore domain channel subfamily K member 3; plus strand). Cytogenetic location: 2p23.3.
Variant type: single nucleotide variant.
Coding change: c.824G>A on transcript NM_002246.3 (MANE Select); coding-DNA position 824, G replaced by A.
Protein change: p.Gly275Glu; replaces glycine 275 with glutamic acid.
Molecular consequence: missense variant.
Genome position (GRCh38, 1-based): chr2:26,728,207, G>A. VCF-style: chr2-26728207-G-A. GRCh37 (hg19) VCF-style: chr2-26951075-G-A.
Other names: short protein forms G275E.
Identifiers: ClinVar variation 1442653 (VCV001442653.6), dbSNP rs764611480, ClinGen allele CA44398245.